The following is an entry in ClinVar:

NM_000117.3(EMD):c.483C>G (p.Tyr161Ter)

Gene: EMD (emerin; plus strand). Cytogenetic location: Xq28.
Variant type: single nucleotide variant.
Coding change: c.483C>G on transcript NM_000117.3 (MANE Select); coding-DNA position 483, C replaced by G.
Protein change: p.Tyr161Ter; replaces tyrosine 161 with a stop codon.
Molecular consequence: nonsense.
Genome position (GRCh38, 1-based): chrX:154,380,915, C>G. VCF-style: chrX-154380915-C-G. GRCh37 (hg19) VCF-style: chrX-153609275-C-G.
Other names: short protein forms Y161*.
Identifiers: ClinVar variation 1071626 (VCV001071626.9), dbSNP rs2148128811, ClinGen allele CA415258535.
Genomic context (GRCh38, chrX:154,380,915, plus strand): 5'-CCCACTTGCTCCCCTCTTTTGCCTCAGGGAACGCCCCATGTACGGCCGGGACAGTGCCTA[C>G]CAGAGCATCACGCACTACCGCCCTGTTTCAGCCTCCAGGAGCTCCCTGGACCTGTCCTAT-3'

ClinVar aggregate classification (germline): Pathogenic (1 of 4 stars; one submission).

Conditions:
X-linked Emery-Dreifuss muscular dystrophy. Also called: Muscular dystrophy, tardive Emery-Dreifuss type, with contractures. Identifiers: Orphanet 261, Orphanet 98863, MedGen C0751337, MONDO:0010680.

Submission:

Labcorp Genetics (formerly Invitae), Labcorp
Classification: Pathogenic for X-linked Emery-Dreifuss muscular dystrophy. Last evaluated: 2023-05-15. Review status: criteria provided, single submitter. Criteria: Invitae Variant Classification Sherloc (09022015). Collection method: clinical testing. Allele origin: germline.
Comment: ClinVar contains an entry for this variant (Variation ID: 1071626). This variant has not been reported in the literature in individuals affected with EMD-related conditions. This variant is not present in population databases (gnomAD no frequency). This sequence change creates a premature translational stop signal (p.Tyr161*) in the EMD gene. While this is not anticipated to result in nonsense mediated decay, it is expected to disrupt the last 94 amino acid(s) of the EMD protein. For these reasons, this variant has been classified as Pathogenic. This variant disrupts a region of the EMD protein in which other variant(s) (p.Trp226*) have been determined to be pathogenic (PMID: 8589715, 15967842). This suggests that this is a clinically significant region of the protein, and that variants that disrupt it are likely to be disease-causing.

Literature cited by the submitters: PubMed 8589715; PubMed 15967842.